The following is an entry in ClinVar:

NM_012079.6(DGAT1):c.574+1G>T

Gene: DGAT1 (diacylglycerol O-acyltransferase 1; minus strand). Cytogenetic location: 8q24.3.
Variant type: single nucleotide variant.
Coding change: c.574+1G>T on transcript NM_012079.6 (MANE Select); the canonical splice donor site of the intron after coding-DNA position 574, G replaced by T.
Molecular consequence: splice donor variant.
Genome position (GRCh38, 1-based): chr8:144,318,460, C>A on the plus strand (G>T on the coding strand, the complement: DGAT1 is on the minus strand). VCF-style: chr8-144318460-C-A. GRCh37 (hg19) VCF-style: chr8-145542123-C-A.
Identifiers: ClinVar variation 4732543 (VCV004732543.3).

ClinVar aggregate classification (germline): Likely pathogenic. Review status: criteria provided, multiple submitters, no conflicts (2 of 4 stars). 2 submissions from 2 submitters: Likely pathogenic (2). Last evaluated 2025-12-03.

gnomAD v4.1: 1 of 1,610,704 alleles (0.000062%); highest among the groups gnomAD compares: African/African-American, 0.0013%; no homozygotes.

Submissions (2):

Labcorp Genetics (formerly Invitae), Labcorp
Classification: Likely pathogenic. Last evaluated: 2025-12-03. Review status: criteria provided, single submitter. Criteria: Invitae Variant Classification Sherloc (09022015). Collection method: clinical testing. Allele origin: germline.
Comment: This sequence change affects a donor splice site in intron 6 of the DGAT1 gene. It is expected to disrupt RNA splicing. Variants that disrupt the donor or acceptor splice site typically lead to a loss of protein function (PMID: 16199547), and loss-of-function variants in DGAT1 are known to be pathogenic (PMID: 29604290). This variant is present in population databases (no rsID available, gnomAD 0.01%). This variant has not been reported in the literature in individuals affected with DGAT1-related conditions. Algorithms developed to predict the effect of sequence changes on RNA splicing suggest that this variant may disrupt the consensus splice site. In summary, the currently available evidence indicates that the variant is pathogenic, but additional data are needed to prove that conclusively. Therefore, this variant has been classified as Likely Pathogenic.

Dasa
Classification: Likely pathogenic. Last evaluated: 2025-03-13. Review status: criteria provided, single submitter. Criteria: DASA Assertion Criteria. Collection method: clinical testing. Allele origin: germline.
Comment: NM_012079.6(DGAT1):c.574+1G>T affects a canonical splice site and is predicted to disrupt normal RNA splicing. Loss of function is an established disease mechanism for DGAT1-associated disorders. Also, this variant is rare in population databases. Based on the currently available evidence, this variant is classified as likely pathogenic.

Literature cited by the submitters: PubMed 16199547 (cited by Labcorp Genetics (formerly Invitae), Labcorp); PubMed 29604290 (cited by Labcorp Genetics (formerly Invitae), Labcorp).